The following is an entry in ClinVar:

NM_181507.2(HPS5):c.2084C>T (p.Ser695Phe)

Gene: HPS5 (HPS5 biogenesis of lysosomal organelles complex 2 subunit 2; minus strand). Cytogenetic location: 11p15.1.
Variant type: single nucleotide variant.
Coding change: c.2084C>T on transcript NM_181507.2 (MANE Select); coding-DNA position 2084, C replaced by T.
Protein change: p.Ser695Phe; replaces serine 695 with phenylalanine.
Molecular consequence: missense variant.
Genome position (GRCh38, 1-based): chr11:18,291,798, G>A on the plus strand (C>T on the coding strand, the complement: HPS5 is on the minus strand). VCF-style: chr11-18291798-G-A. GRCh37 (hg19) VCF-style: chr11-18313345-G-A.
Other names: c.1742C>T, p.Ser581Phe (NM_007216.4, NM_181508.2); short protein forms S695F, S581F.
Identifiers: ClinVar variation 435456 (VCV000435456.10), dbSNP rs753514793, ClinGen allele CA218538841.

ClinVar aggregate classification (germline): Uncertain significance. Review status: criteria provided, multiple submitters, no conflicts (2 of 4 stars). 3 submissions from 3 submitters: Uncertain significance (3). Last evaluated 2025-09-25.

Conditions:
Inborn genetic diseases. Identifiers: MedGen C0950123, MeSH D030342.

Allele frequency attached by ClinVar (database versions not stated): gnomAD exomes 0.00002 and 0.00001; TOPMed 0.00003; gnomAD 0.00003 and 0.00004.
gnomAD v4.1: 33 of 1,613,556 alleles (0.002%); highest among the groups gnomAD compares: Non-Finnish European, 0.0026%; no homozygotes.

Submissions (3):

Ambry Genetics
Classification: Uncertain significance for Inborn genetic diseases. Last evaluated: 2025-09-25. Review status: criteria provided, single submitter. Criteria: Ambry Variant Classification Scheme 2023. Collection method: clinical testing. Allele origin: germline.
Comment: The c.2084C>T (p.S695F) alteration is located in exon 16 (coding exon 15) of the HPS5 gene. This alteration results from a C to T substitution at nucleotide position 2084, causing the serine (S) at amino acid position 695 to be replaced by a phenylalanine (F). Based on data from gnomAD, the T allele has an overall frequency of 0.001% (3/282500) total alleles studied. The highest observed frequency was 0.014% (1/7210) of Other alleles. Based on insufficient or conflicting evidence, the clinical significance of this alteration remains unclear.

Labcorp Genetics (formerly Invitae), Labcorp
Classification: Uncertain significance. Last evaluated: 2022-06-14. Review status: criteria provided, single submitter. Criteria: Invitae Variant Classification Sherloc (09022015). Collection method: clinical testing. Allele origin: germline.
Comment: This sequence change replaces serine, which is neutral and polar, with phenylalanine, which is neutral and non-polar, at codon 695 of the HPS5 protein (p.Ser695Phe). This variant is present in population databases (rs753514793, gnomAD 0.003%). This variant has not been reported in the literature in individuals affected with HPS5-related conditions. ClinVar contains an entry for this variant (Variation ID: 435456). Algorithms developed to predict the effect of missense changes on protein structure and function (SIFT, PolyPhen-2, Align-GVGD) all suggest that this variant is likely to be tolerated. In summary, the available evidence is currently insufficient to determine the role of this variant in disease. Therefore, it has been classified as a Variant of Uncertain Significance.

Genetic Services Laboratory, University of Chicago
Classification: Uncertain significance. Last evaluated: 2017-02-02. Review status: criteria provided, single submitter. Criteria: ACMG Guidelines, 2015. Collection method: clinical testing. Allele origin: germline. Affected: no.